The following is an entry in ClinVar:

NM_020800.3(IFT80):c.1516+2T>C

Genes: TRIM59-IFT80 (TRIM59-IFT80 readthrough (NMD candidate); minus strand), IFT80 (intraflagellar transport 80; minus strand). Cytogenetic location: 3q25.33.
Variant type: single nucleotide variant.
Coding change: c.1516+2T>C on transcript NM_020800.3 (MANE Select); the canonical splice donor site of the intron after coding-DNA position 1516, T replaced by C.
Molecular consequence: splice donor variant.
Genome position (GRCh38, 1-based): chr3:160,282,476, A>G on the plus strand (T>C on the coding strand, the complement: IFT80 is on the minus strand). VCF-style: chr3-160282476-A-G. GRCh37 (hg19) VCF-style: chr3-160000264-A-G.
Other names: c.1105+2T>C (NM_001190241.2, NM_001190242.2).
Identifiers: ClinVar variation 2704290 (VCV002704290.3), dbSNP rs758820425, ClinGen allele CA355191876.

ClinVar aggregate classification (germline): Likely pathogenic (1 of 4 stars; one submission).

Conditions:
Jeune thoracic dystrophy. Also called: Infantile thoracic dystrophy; Thoracic pelvic phalangeal dystrophy; Jeune's syndrome; Chondroectodermal dysplasia-like syndrome; Short-rib thoracic dysplasia; Jeune syndrome. Identifiers: Orphanet 474, MedGen C0265275, MONDO:0018770.

Allele frequency attached by ClinVar (database versions not stated): TOPMed 0.00001.
gnomAD v4.1: 1 of 1,568,520 alleles (0.000064%); highest among the groups gnomAD compares: Admixed American, 0.0017%; no homozygotes.

Submission:

Labcorp Genetics (formerly Invitae), Labcorp
Classification: Likely pathogenic for Jeune thoracic dystrophy. Last evaluated: 2025-03-16. Review status: criteria provided, single submitter. Criteria: Invitae Variant Classification Sherloc (09022015). Collection method: clinical testing. Allele origin: germline.
Comment: This sequence change affects a donor splice site in intron 14 of the IFT80 gene. It is expected to disrupt RNA splicing. Variants that disrupt the donor or acceptor splice site typically lead to a loss of protein function (PMID: 16199547), and loss-of-function variants in IFT80 are known to be pathogenic (PMID: 21227999, 23339108, 29068549). This variant is present in population databases (no rsID available, gnomAD 0.003%). This variant has not been reported in the literature in individuals affected with IFT80-related conditions. ClinVar contains an entry for this variant (Variation ID: 2704290). Algorithms developed to predict the effect of sequence changes on RNA splicing suggest that this variant may disrupt the consensus splice site. In summary, the currently available evidence indicates that the variant is pathogenic, but additional data are needed to prove that conclusively. Therefore, this variant has been classified as Likely Pathogenic.

Literature cited by the submitters: PubMed 16199547; PubMed 21227999; PubMed 23339108; PubMed 29068549.